The following is an entry in ClinVar:

ClinVar aggregate classification (germline): Uncertain significance (1 of 4 stars; one submission).

Conditions:
Neuronal ceroid lipofuscinosis. Also called: Neuronal Ceroid Lipofuscinoses. Identifiers: Orphanet 216, Orphanet 79263, MedGen C0027877, MONDO:0016295. Disease mechanism: loss of function.

Submission:

Labcorp Genetics (formerly Invitae), Labcorp
Classification: Uncertain significance for Neuronal ceroid lipofuscinosis. Last evaluated: 2022-11-01. Review status: criteria provided, single submitter. Criteria: Invitae Variant Classification Sherloc (09022015). Collection method: clinical testing. Allele origin: germline.
Comment: Advanced modeling of protein sequence and biophysical properties (such as structural, functional, and spatial information, amino acid conservation, physicochemical variation, residue mobility, and thermodynamic stability) performed at Invitae indicates that this missense variant is expected to disrupt CTSD protein function. This variant has not been reported in the literature in individuals affected with CTSD-related conditions. This variant is not present in population databases (gnomAD no frequency). This sequence change replaces leucine, which is neutral and non-polar, with phenylalanine, which is neutral and non-polar, at codon 71 of the CTSD protein (p.Leu71Phe). In summary, the available evidence is currently insufficient to determine the role of this variant in disease. Therefore, it has been classified as a Variant of Uncertain Significance.

NM_001909.5(CTSD):c.211C>T (p.Leu71Phe)

Genes: CTSD (cathepsin D; minus strand), PRADX (PRC2 and DDX5 associated lncRNA; plus strand). Cytogenetic location: 11p15.5.
Variant type: single nucleotide variant.
Coding change: c.211C>T on transcript NM_001909.5 (MANE Select); coding-DNA position 211, C replaced by T.
Protein change: p.Leu71Phe; replaces leucine 71 with phenylalanine.
Molecular consequence: missense variant.
Genome position (GRCh38, 1-based): chr11:1,761,326, G>A on the plus strand (C>T on the coding strand, the complement: CTSD is on the minus strand). VCF-style: chr11-1761326-G-A. GRCh37 (hg19) VCF-style: chr11-1782556-G-A.
Other names: short protein forms L71F.
Identifiers: ClinVar variation 2128428 (VCV002128428.4), dbSNP rs2493829603, ClinGen allele CA379099422.
Genomic context (GRCh38, chr11:1,761,326, plus strand): 5'-GACAGTGGCTCCGCTTGCAGCAGGGCTAAGACCTCATACTCACGTCCATGTAGTTCTTGA[G>A]CACCTCGGGAATGGGCCCCTCGGTCACGGCTGGCACCGCCTGGGAGTACTTTGAGACGGG-3'
Protein context (NP_001900.1, residues 61-81): AVTEGPIPEV[Leu71Phe]KNYMDAQYYG